The following is an entry in ClinVar:

ClinVar aggregate classification (germline): Likely pathogenic (1 of 4 stars; one submission).

Conditions:
Schimke immuno-osseous dysplasia (SIOD). Also called: Schimke Immunoosseous Dysplasia. Identifiers: Orphanet 1830, MedGen C0877024, MONDO:0009458, OMIM 242900.

Submission:

Natera, Inc.
Classification: Likely pathogenic for Schimke immuno-osseous dysplasia. Last evaluated: 2025-11-12. Review status: criteria provided, single submitter. Criteria: Natera Variant Classification Schema (03/2026). Collection method: clinical testing. Allele origin: germline.
Comment: The c.1495del variant in SMARCAL1 is a frameshift variant predicted to shift the reading frame beginning at codon 499 and leads to a stop codon 6 codons downstream. This variant is expected to result in nonsense mediated decay, truncation, or a dysfunctional protein product. This variant is rare in the general population with a frequency below the threshold expected for the associated phenotype(s). Given the available evidence, this variant is classified as Likely Pathogenic.

NM_014140.4(SMARCAL1):c.1495del (p.Arg499fs)

Gene: SMARCAL1 (SNF2 related chromatin remodeling annealing helicase 1; plus strand). Cytogenetic location: 2q35.
Variant type: Deletion.
Coding change: c.1495del on transcript NM_014140.4 (MANE Select); coding-DNA position 1495, one base deleted (C; older notation c.1495delC).
Protein change: p.Arg499fs; shifts the reading frame from arginine 499.
Molecular consequence: frameshift variant.
Genome position (GRCh38, 1-based): chr2:216,435,347, C deleted. VCF-style (leftmost placement, unchanged base first): chr2-216435346-TC-T. GRCh37 (hg19) VCF-style: chr2-217300069-TC-T.
Other names: c.1495del, p.Arg499fs (NM_001127207.2); c.1495delC, p.Arg499Glyfs (NM_014140.3); short protein forms R499fs.
Identifiers: ClinVar variation 4815594 (VCV004815594.1).